The following is an entry in ClinVar:

NM_004304.5(ALK):c.682G>C (p.Glu228Gln)

Gene: ALK (ALK receptor tyrosine kinase; minus strand). Cytogenetic location: 2p23.2.
Variant type: single nucleotide variant.
Coding change: c.682G>C on transcript NM_004304.5 (MANE Select); coding-DNA position 682, G replaced by C.
Protein change: p.Glu228Gln; replaces glutamic acid 228 with glutamine.
Molecular consequence: missense variant.
Genome position (GRCh38, 1-based): chr2:29,717,683, C>G on the plus strand (G>C on the coding strand, the complement: ALK is on the minus strand). VCF-style: chr2-29717683-C-G. GRCh37 (hg19) VCF-style: chr2-29940549-C-G.
Other names: c.682G>C (NM_004304.4); short protein forms E228Q.
Identifiers: ClinVar variation 1360032 (VCV001360032.9), dbSNP rs2148307408, ClinGen allele CA346587827.

ClinVar aggregate classification (germline): Uncertain significance. Review status: criteria provided, multiple submitters, no conflicts (2 of 4 stars). 2 submissions from 2 submitters: Uncertain significance (2). Last evaluated 2024-04-04.

Conditions:
Hereditary cancer-predisposing syndrome. Also called: Hereditary Cancer Syndrome; Hereditary neoplastic syndrome; Tumor predisposition; Neoplastic Syndromes, Hereditary. Identifiers: Orphanet 140162, MedGen C0027672, MeSH D009386, MONDO:0015356.
Neuroblastoma, susceptibility to, 3. Also called: ALK-Related Neuroblastic Tumor Susceptibility. Identifiers: Orphanet 635, MedGen C2751681, MONDO:0013083, OMIM 613014.

Submissions (2):

Ambry Genetics
Classification: Uncertain significance for Hereditary cancer-predisposing syndrome. Last evaluated: 2024-04-04. Review status: criteria provided, single submitter. Criteria: Ambry Variant Classification Scheme 2023. Collection method: clinical testing. Allele origin: germline.
Comment: The p.E228Q variant (also known as c.682G>C), located in coding exon 2 of the ALK gene, results from a G to C substitution at nucleotide position 682. The glutamic acid at codon 228 is replaced by glutamine, an amino acid with highly similar properties. This amino acid position is conserved. In addition, this alteration is predicted to be tolerated by in silico analysis. Based on the available evidence, the clinical significance of this variant remains unclear.

Labcorp Genetics (formerly Invitae), Labcorp
Classification: Uncertain significance for Neuroblastoma, susceptibility to, 3. Last evaluated: 2021-06-15. Review status: criteria provided, single submitter. Criteria: Invitae Variant Classification Sherloc (09022015). Collection method: clinical testing. Allele origin: germline.
Comment: This sequence change replaces glutamic acid with glutamine at codon 228 of the ALK protein (p.Glu228Gln). The glutamic acid residue is moderately conserved and there is a small physicochemical difference between glutamic acid and glutamine. This variant is not present in population databases (ExAC no frequency). This variant has not been reported in the literature in individuals with ALK-related conditions. Algorithms developed to predict the effect of missense changes on protein structure and function are either unavailable or do not agree on the potential impact of this missense change (SIFT: "Deleterious"; PolyPhen-2: "Benign"; Align-GVGD: "Class C0"). In summary, the available evidence is currently insufficient to determine the role of this variant in disease. Therefore, it has been classified as a Variant of Uncertain Significance.